The following is an entry in ClinVar:

NM_001849.4(COL6A2):c.1522-9C>T

Gene: COL6A2 (collagen type VI alpha 2 chain; plus strand). Cytogenetic location: 21q22.3.
Variant type: single nucleotide variant.
Coding change: c.1522-9C>T on transcript NM_001849.4 (MANE Select); 9 bases into the intron before coding-DNA position 1522, C replaced by T.
Molecular consequence: intron variant.
Genome position (GRCh38, 1-based): chr21:46,122,099, C>T. VCF-style: chr21-46122099-C-T. GRCh37 (hg19) VCF-style: chr21-47542013-C-T.
Other names: c.1522-9C>T (NM_058175.3, NM_058174.3).
Identifiers: ClinVar variation 286011 (VCV000286011.15), dbSNP rs371576207, ClinGen allele CA10071961.
Genomic context (GRCh38, chr21:46,122,099, plus strand): 5'-TGTTGAGCACAGCCCCCCAGCCCCACCCCGTCCTATGACCATGCTGACCGACTCAACGTC[C>T]TCCTCCAGGGAGACCCCGGCAGGCCTGGATTCAGCTACCCAGGACCCCGAGGAGCACCCG-3'

ClinVar aggregate classification (germline): Conflicting classifications of pathogenicity. Review status: criteria provided, conflicting classifications (1 of 4 stars). 3 submissions from 3 submitters: Uncertain significance (1); Likely benign (2). Last evaluated 2025-12-15.

Conditions:
Bethlem myopathy 1A. Also called: Bethlem Muscular Dystrophy; MYOPATHY, BENIGN CONGENITAL, WITH CONTRACTURES; Bethlem myopathy 1. Identifiers: Orphanet 610, MedGen CN029274, MONDO:0024530, OMIM 158810.

Allele frequency attached by ClinVar (database versions not stated): gnomAD 0.00029; TOPMed 0.00035; ESP Exome Variant Server 0.00038.
gnomAD v4.1: 77 of 1,612,476 alleles (0.0048%); highest among the groups gnomAD compares: African/African-American, 0.092%; no homozygotes.

Submissions (3):

Labcorp Genetics (formerly Invitae), Labcorp
Classification: Likely benign for Bethlem myopathy 1A. Last evaluated: 2025-12-15. Review status: criteria provided, single submitter. Criteria: Invitae Variant Classification Sherloc (09022015). Collection method: clinical testing. Allele origin: germline.

GeneDx
Classification: Likely benign. Last evaluated: 2019-11-25. Review status: criteria provided, single submitter. Criteria: GeneDx Variant Classification Process June 2021. Collection method: clinical testing. Allele origin: germline. Affected: yes.
Comment: See Variant Classification Assertion Criteria.

Eurofins Ntd Llc (ga)
Classification: Uncertain significance. Last evaluated: 2017-05-04. Review status: criteria provided, single submitter. Criteria: EGL Classification Definitions 2015. Collection method: clinical testing. Allele origin: germline. Observed: 3 variant alleles, 3 heterozygotes.